The following is an entry in ClinVar:

NM_000981.4(RPL19):c.398A>G (p.Lys133Arg)

Gene: RPL19 (ribosomal protein L19; plus strand). Cytogenetic location: 17q12.
Variant type: single nucleotide variant.
Coding change: c.398A>G on transcript NM_000981.4 (MANE Select); coding-DNA position 398, A replaced by G.
Protein change: p.Lys133Arg; replaces lysine 133 with arginine.
Molecular consequence: missense variant.
Genome position (GRCh38, 1-based): chr17:39,204,118, A>G. VCF-style: chr17-39204118-A-G. GRCh37 (hg19) VCF-style: chr17-37360371-A-G.
Other names: c.392A>G, p.Lys131Arg (NM_001330200.1); short protein forms K131R, K133R.
Identifiers: ClinVar variation 2871472 (VCV002871472.3), dbSNP rs767278354, ClinGen allele CA8528928.

ClinVar aggregate classification (germline): Uncertain significance (1 of 4 stars; one submission).

Allele frequency attached by ClinVar (database versions not stated): ExAC 0.00001; gnomAD exomes 0.00001.

Submission:

Labcorp Genetics (formerly Invitae), Labcorp
Classification: Uncertain significance. Last evaluated: 2023-12-11. Review status: criteria provided, single submitter. Criteria: Invitae Variant Classification Sherloc (09022015). Collection method: clinical testing. Allele origin: germline.
Comment: This sequence change replaces lysine, which is basic and polar, with arginine, which is basic and polar, at codon 133 of the RPL19 protein (p.Lys133Arg). The frequency data for this variant in the population databases is considered unreliable, as metrics indicate poor data quality at this position in the gnomAD database. This variant has not been reported in the literature in individuals affected with RPL19-related conditions. An algorithm developed to predict the effect of missense changes on protein structure and function (PolyPhen-2) suggests that this variant is likely to be tolerated. In summary, the available evidence is currently insufficient to determine the role of this variant in disease. Therefore, it has been classified as a Variant of Uncertain Significance.